The following is an entry in ClinVar:

ClinVar aggregate classification (germline): Uncertain significance. Review status: criteria provided, multiple submitters, no conflicts (2 of 4 stars). 4 submissions from 4 submitters: Uncertain significance (4). Last evaluated 2025-04-24.

Conditions:
Nijmegen breakage syndrome-like disorder (NBSLD). Also called: MICROCEPHALY AND SPONTANEOUS CHROMOSOME INSTABILITY WITHOUT IMMUNODEFICIENCY; NBS-LIKE DISORDER; RAD50 DEFICIENCY. Identifiers: Orphanet 240760, MedGen C2751318, MONDO:0013118, OMIM 613078.
Hereditary cancer-predisposing syndrome. Also called: Neoplastic Syndromes, Hereditary; Tumor predisposition; Hereditary Cancer Syndrome; Hereditary neoplastic syndrome. Identifiers: Orphanet 140162, MedGen C0027672, MeSH D009386, MONDO:0015356.

Allele frequency attached by ClinVar (database versions not stated): TOPMed below 0.00001.
gnomAD v4.1: 4 of 1,613,386 alleles (0.00025%); highest among the groups gnomAD compares: Non-Finnish European, 0.00034%; no homozygotes.

Submissions (4):

Ambry Genetics
Classification: Uncertain significance for Hereditary cancer-predisposing syndrome. Last evaluated: 2025-04-24. Review status: criteria provided, single submitter. Criteria: Ambry Variant Classification Scheme 2023. Collection method: clinical testing. Allele origin: germline.

Fulgent Genetics
Classification: Uncertain significance for Nijmegen breakage syndrome-like disorder. Last evaluated: 2024-03-14. Review status: criteria provided, single submitter. Criteria: ACMG Guidelines, 2015. Collection method: clinical testing. Allele origin: germline.

Blueprint Genetics
Classification: Uncertain significance. Last evaluated: 2023-08-17. Review status: criteria provided, single submitter. Criteria: ACMG Guidelines, 2015. Collection method: clinical testing. Allele origin: germline.

Labcorp Genetics (formerly Invitae), Labcorp
Classification: Uncertain significance for Hereditary cancer-predisposing syndrome. Last evaluated: 2022-09-13. Review status: criteria provided, single submitter. Criteria: Invitae Variant Classification Sherloc (09022015). Collection method: clinical testing. Allele origin: germline.
Comment: Advanced modeling of protein sequence and biophysical properties (such as structural, functional, and spatial information, amino acid conservation, physicochemical variation, residue mobility, and thermodynamic stability) performed at Invitae indicates that this missense variant is not expected to disrupt RAD50 protein function. In summary, the available evidence is currently insufficient to determine the role of this variant in disease. Therefore, it has been classified as a Variant of Uncertain Significance. ClinVar contains an entry for this variant (Variation ID: 826677). This sequence change replaces serine, which is neutral and polar, with asparagine, which is neutral and polar, at codon 229 of the RAD50 protein (p.Ser229Asn). This variant is not present in population databases (gnomAD no frequency). This variant has not been reported in the literature in individuals affected with RAD50-related conditions.

NM_005732.4(RAD50):c.686G>A (p.Ser229Asn)

Gene: RAD50 (RAD50 double strand break repair protein; plus strand). Cytogenetic location: 5q31.1.
Variant type: single nucleotide variant.
Coding change: c.686G>A on transcript NM_005732.4 (MANE Select); coding-DNA position 686, G replaced by A.
Protein change: p.Ser229Asn; replaces serine 229 with asparagine.
Molecular consequence: missense variant.
Genome position (GRCh38, 1-based): chr5:132,579,996, G>A. VCF-style: chr5-132579996-G-A. GRCh37 (hg19) VCF-style: chr5-131915688-G-A.
Other names: short protein forms S229N.
Identifiers: ClinVar variation 826677 (VCV000826677.18), dbSNP rs751781524, ClinGen allele CA127237917.